The following is an entry in ClinVar:

NM_000302.4(PLOD1):c.1490C>G (p.Thr497Ser)

Gene: PLOD1 (procollagen-lysine,2-oxoglutarate 5-dioxygenase 1; plus strand). Cytogenetic location: 1p36.22.
Variant type: single nucleotide variant.
Coding change: c.1490C>G on transcript NM_000302.4 (MANE Select); coding-DNA position 1490, C replaced by G.
Protein change: p.Thr497Ser; replaces threonine 497 with serine.
Molecular consequence: missense variant.
Genome position (GRCh38, 1-based): chr1:11,965,499, C>G. VCF-style: chr1-11965499-C-G. GRCh37 (hg19) VCF-style: chr1-12025556-C-G.
Other names: c.1631C>G, p.Thr544Ser (NM_001316320.2); short protein forms T497S, T544S.
Identifiers: ClinVar variation 2098137 (VCV002098137.4), dbSNP rs1373542252, ClinGen allele CA338444472.
Genomic context (GRCh38, chr1:11,965,499, plus strand): 5'-GGGTGGGGGAGCGCCTCTTCCACCGGGCCTGTCCTCCCCAGGATGTGTTCATGTTCCTGA[C>G]CAACCGGCACACCCTTGGCCATCTGCTCTCCCTAGACAGCTACCGCACCACCCACCTGCA-3'
Protein context (NP_000293.2, residues 487-507): IRQQDVFMFL[Thr497Ser]NRHTLGHLLS

ClinVar aggregate classification (germline): Uncertain significance (1 of 4 stars; one submission).

Conditions:
Ehlers-Danlos syndrome, kyphoscoliotic type 1 (EDSKSCL1). Also called: PLOD1-Related Kyphoscoliotic Ehlers-Danlos Syndrome; Ehlers-Danlos syndrome, hydroxylysine-deficient; EHLERS-DANLOS SYNDROME, OCULAR-SCOLIOTIC TYPE; EHLERS-DANLOS SYNDROME, TYPE VIA. Identifiers: Orphanet 1900, MedGen C0268342, MONDO:0016002, OMIM 225400. Disease mechanism: loss of function.

gnomAD v4.1: 1 of 1,612,898 alleles (0.000062%); highest among the groups gnomAD compares: Non-Finnish European, 0.000085%; no homozygotes.

Submission:

Labcorp Genetics (formerly Invitae), Labcorp
Classification: Uncertain significance for Ehlers-Danlos syndrome, kyphoscoliotic type 1. Last evaluated: 2022-02-17. Review status: criteria provided, single submitter. Criteria: Invitae Variant Classification Sherloc (09022015). Collection method: clinical testing. Allele origin: germline.
Comment: This sequence change replaces threonine, which is neutral and polar, with serine, which is neutral and polar, at codon 497 of the PLOD1 protein (p.Thr497Ser). This variant is not present in population databases (gnomAD no frequency). This variant has not been reported in the literature in individuals affected with PLOD1-related conditions. Algorithms developed to predict the effect of missense changes on protein structure and function (SIFT, PolyPhen-2, Align-GVGD) all suggest that this variant is likely to be tolerated. In summary, the available evidence is currently insufficient to determine the role of this variant in disease. Therefore, it has been classified as a Variant of Uncertain Significance.